The following is an entry in ClinVar:

ClinVar aggregate classification (germline): Uncertain significance (1 of 4 stars; one submission).

Conditions:
Epilepsy, familial adult myoclonic, 5 (EPEO5). Also called: CORTICAL MYOCLONIC TREMOR WITH EPILEPSY, FAMILIAL, 5. Identifiers: Orphanet 86814, MedGen C3809374, MONDO:0014167, OMIM 615400.

Allele frequency attached by ClinVar (database versions not stated): TOPMed below 0.00001; gnomAD 0.00001; gnomAD exomes 0.00001.
gnomAD v4.1: 9 of 1,613,988 alleles (0.00056%); highest among the groups gnomAD compares: Non-Finnish European, 0.00076%; no homozygotes.

Submission:

Labcorp Genetics (formerly Invitae), Labcorp
Classification: Uncertain significance for Epilepsy, familial adult myoclonic, 5. Last evaluated: 2021-10-12. Review status: criteria provided, single submitter. Criteria: Invitae Variant Classification Sherloc (09022015). Collection method: clinical testing. Allele origin: germline.
Comment: Advanced modeling of protein sequence and biophysical properties (such as structural, functional, and spatial information, amino acid conservation, physicochemical variation, residue mobility, and thermodynamic stability) performed at Invitae indicates that this missense variant is not expected to disrupt CNTN2 protein function. In summary, the available evidence is currently insufficient to determine the role of this variant in disease. Therefore, it has been classified as a Variant of Uncertain Significance. This sequence change replaces methionine with valine at codon 392 of the CNTN2 protein (p.Met392Val). The methionine residue is highly conserved and there is a small physicochemical difference between methionine and valine. This variant is not present in population databases (ExAC no frequency). This variant has not been reported in the literature in individuals affected with CNTN2-related conditions.

NM_005076.5(CNTN2):c.1174A>G (p.Met392Val)

Gene: CNTN2 (contactin 2; plus strand). Cytogenetic location: 1q32.1.
Variant type: single nucleotide variant.
Coding change: c.1174A>G on transcript NM_005076.5 (MANE Select); coding-DNA position 1174, A replaced by G.
Protein change: p.Met392Val; replaces methionine 392 with valine.
Molecular consequence: missense variant. On other transcripts: non-coding transcript variant (1).
Genome position (GRCh38, 1-based): chr1:205,062,503, A>G. VCF-style: chr1-205062503-A-G. GRCh37 (hg19) VCF-style: chr1-205031631-A-G.
Other names: c.1174A>G, p.Met392Val (NM_001346083.2); short protein forms M392V.
Identifiers: ClinVar variation 1477888 (VCV001477888.6), dbSNP rs1654045217, ClinGen allele CA344374507.